The following is an entry in ClinVar:

ClinVar aggregate classification (germline): Uncertain significance (1 of 4 stars; one submission).

Conditions:
Smith-Lemli-Opitz syndrome (SLOS). Also called: POLYDACTYLY, SEX REVERSAL, RENAL HYPOPLASIA, AND UNILOBAR LUNG; RSH SYNDROME; RUTLEDGE LETHAL MULTIPLE CONGENITAL ANOMALY SYNDROME; LETHAL ACRODYSGENITAL SYNDROME; 7-Dehydrocholesterol reductase deficiency. Identifiers: Orphanet 818, MedGen C0175694, MONDO:0010035, OMIM 270400.

Submission:

3billion
Classification: Uncertain significance for Smith-Lemli-Opitz syndrome. Last evaluated: 2024-11-04. Review status: criteria provided, single submitter. Criteria: ACMG Guidelines, 2015. Collection method: clinical testing. Allele origin: germline. Affected: yes.
Comment: The variant is not observed in the gnomAD v4.1.0 dataset. Predicted Consequence/Location: Missense variant In silico tool predictions suggest damaging effect of the variant on gene or gene product [3Cnet: 0.76 (>=0.6, sensitivity 0.72 and precision 0.9)]. A different missense change at the same codon (p.Phe255Leu) has been reported to be associated with DHCR7 related disorder (PMID: 11427181). However the evidence of pathogenicity is insufficient at this time. Therefore, this variant is classified as VUS according to the recommendation of ACMG/AMP guideline.

Literature cited by the submitters: PubMed 11427181.

NM_001360.3(DHCR7):c.764T>G (p.Phe255Cys)

Gene: DHCR7 (7-dehydrocholesterol reductase; minus strand). Cytogenetic location: 11q13.4.
Variant type: single nucleotide variant.
Coding change: c.764T>G on transcript NM_001360.3 (MANE Select); coding-DNA position 764, T replaced by G.
Protein change: p.Phe255Cys; replaces phenylalanine 255 with cysteine.
Molecular consequence: missense variant.
Genome position (GRCh38, 1-based): chr11:71,438,946, A>C on the plus strand (T>G on the coding strand, the complement: DHCR7 is on the minus strand). VCF-style: chr11-71438946-A-C. GRCh37 (hg19) VCF-style: chr11-71149992-A-C.
Other names: c.764T>G, p.Phe255Cys (NM_001163817.2, NM_001425109.1, NM_001425110.1 and 6 more transcripts); c.815T>G, p.Phe272Cys (NM_001425107.1); c.800T>G, p.Phe267Cys (NM_001425108.1); c.704T>G, p.Phe235Cys (NM_001425113.1); c.668T>G, p.Phe223Cys (NM_001425114.1, NM_001425116.1); c.590T>G, p.Phe197Cys (NM_001425117.1); short protein forms F197C, F223C, F235C, F255C, F267C, F272C.
Identifiers: ClinVar variation 4291808 (VCV004291808.1).